The following is an entry in ClinVar:

ClinVar aggregate classification (germline): Uncertain significance. Review status: criteria provided, multiple submitters, no conflicts (2 of 4 stars). 2 submissions from 2 submitters: Uncertain significance (2). Last evaluated 2024-06-14.

Conditions:
Hereditary cancer-predisposing syndrome. Also called: Neoplastic Syndromes, Hereditary; Tumor predisposition; Hereditary Cancer Syndrome; Hereditary neoplastic syndrome. Identifiers: Orphanet 140162, MedGen C0027672, MeSH D009386, MONDO:0015356.
Hereditary pheochromocytoma and paraganglioma. Also called: Hereditary paragangliomas and pheochromocytomas; Hereditary Paraganglioma-Pheochromocytoma Syndromes; Hereditary pheochromocytoma-paraganglioma. Identifiers: Orphanet 29072, MedGen C4274332, MONDO:0017366.

Allele frequency attached by ClinVar (database versions not stated): TOPMed below 0.00001.
gnomAD v4.1: 1 of 1,613,566 alleles (0.000062%); highest among the groups gnomAD compares: Non-Finnish European, 0.000085%; no homozygotes.

Submissions (2):

Ambry Genetics
Classification: Uncertain significance for Hereditary cancer-predisposing syndrome. Last evaluated: 2024-06-14. Review status: criteria provided, single submitter. Criteria: Ambry Variant Classification Scheme 2023. Collection method: clinical testing. Allele origin: germline.
Comment: The p.I84V variant (also known as c.250A>G), located in coding exon 2 of the SDHAF2 gene, results from an A to G substitution at nucleotide position 250. The isoleucine at codon 84 is replaced by valine, an amino acid with highly similar properties. This amino acid position is conserved. In addition, this alteration is predicted to be tolerated by in silico analysis. Based on the available evidence, the clinical significance of this variant remains unclear.

Labcorp Genetics (formerly Invitae), Labcorp
Classification: Uncertain significance for Hereditary pheochromocytoma and paraganglioma. Last evaluated: 2023-02-24. Review status: criteria provided, single submitter. Criteria: Invitae Variant Classification Sherloc (09022015). Collection method: clinical testing. Allele origin: germline.
Comment: In summary, the available evidence is currently insufficient to determine the role of this variant in disease. Therefore, it has been classified as a Variant of Uncertain Significance. An algorithm developed to predict the effect of missense changes on protein structure and function (PolyPhen-2) suggests that this variant is likely to be disruptive. This variant has not been reported in the literature in individuals affected with SDHAF2-related conditions. This variant is not present in population databases (gnomAD no frequency). This sequence change replaces isoleucine, which is neutral and non-polar, with valine, which is neutral and non-polar, at codon 84 of the SDHAF2 protein (p.Ile84Val).

NM_017841.4(SDHAF2):c.250A>G (p.Ile84Val)

Gene: SDHAF2 (succinate dehydrogenase complex assembly factor 2; plus strand). Cytogenetic location: 11q12.2.
Variant type: single nucleotide variant.
Coding change: c.250A>G on transcript NM_017841.4 (MANE Select); coding-DNA position 250, A replaced by G.
Protein change: p.Ile84Val; replaces isoleucine 84 with valine.
Molecular consequence: missense variant.
Genome position (GRCh38, 1-based): chr11:61,437,838, A>G. VCF-style: chr11-61437838-A-G. GRCh37 (hg19) VCF-style: chr11-61205310-A-G.
Other names: short protein forms I84V.
Identifiers: ClinVar variation 2915257 (VCV002915257.4), dbSNP rs1862012828, ClinGen allele CA380683901.